The following is an entry in ClinVar:

NM_002471.4(MYH6):c.4396C>G (p.Gln1466Glu)

Gene: MYH6 (myosin heavy chain 6; minus strand). Cytogenetic location: 14q11.2.
Variant type: single nucleotide variant.
Coding change: c.4396C>G on transcript NM_002471.4 (MANE Select); coding-DNA position 4396, C replaced by G.
Protein change: p.Gln1466Glu; replaces glutamine 1466 with glutamic acid.
Molecular consequence: missense variant.
Genome position (GRCh38, 1-based): chr14:23,387,887, G>C on the plus strand (C>G on the coding strand, the complement: MYH6 is on the minus strand). VCF-style: chr14-23387887-G-C. GRCh37 (hg19) VCF-style: chr14-23857096-G-C.
Other names: short protein forms Q1466E.
Identifiers: ClinVar variation 1315359 (VCV001315359.6), dbSNP rs773067289, ClinGen allele CA7114773.

ClinVar aggregate classification (germline): Uncertain significance. Review status: criteria provided, multiple submitters, no conflicts (2 of 4 stars). 3 submissions from 3 submitters: Uncertain significance (3). Last evaluated 2024-04-27.

Conditions:
Cardiovascular phenotype. Identifiers: MedGen CN230736.
Hypertrophic cardiomyopathy 1 (CMH1). Also called: Familial hypertrophic cardiomyopathy 1; MYH7-Related Familial Hypertrophic Cardiomyopathy. Identifiers: MedGen C3495498, MONDO:0008647, OMIM 192600.
Dilated cardiomyopathy 1EE (CMD1EE). Identifiers: Orphanet 154, MedGen C2750466, MONDO:0013198, OMIM 613252.
Sick sinus syndrome 3, susceptibility to (SSS3). Identifiers: Orphanet 166282, MedGen C3279791, MONDO:0013568, OMIM 614090.
Hypertrophic cardiomyopathy 14. Identifiers: MedGen C2750467, MONDO:0013197, OMIM 613251.
Atrial septal defect 3 (ASD3). Identifiers: Orphanet 1478, MedGen C3279790, MONDO:0013567, OMIM 614089.

Allele frequency attached by ClinVar (database versions not stated): ExAC 0.00001; gnomAD 0.00001; gnomAD exomes 0.00001 and 0.00002.
gnomAD v4.1: 26 of 1,613,920 alleles (0.0016%); highest among the groups gnomAD compares: Non-Finnish European, 0.0022%; no homozygotes.

Submissions (3):

Ambry Genetics
Classification: Uncertain significance for Cardiovascular phenotype. Last evaluated: 2024-04-27. Review status: criteria provided, single submitter. Criteria: Ambry Variant Classification Scheme 2023. Collection method: clinical testing. Allele origin: germline.

Fulgent Genetics
Classification: Uncertain significance for Hypertrophic cardiomyopathy 1; Hypertrophic cardiomyopathy 14; Dilated cardiomyopathy 1EE; Atrial septal defect 3; Sick sinus syndrome 3, susceptibility to. Last evaluated: 2021-09-22. Review status: criteria provided, single submitter. Criteria: ACMG Guidelines, 2015. Collection method: clinical testing. Allele origin: unknown.

GeneDx
Classification: Uncertain significance. Last evaluated: 2020-02-06. Review status: criteria provided, single submitter. Criteria: GeneDx Variant Classification Process June 2021. Collection method: clinical testing. Allele origin: germline. Affected: yes.
Comment: Has not been previously published as pathogenic or benign to our knowledge; Not observed at a significant frequency in large population cohorts (Lek et al., 2016); In silico analysis supports that this missense variant does not alter protein structure/function